The following is an entry in ClinVar:

NM_001082538.3(TCTN1):c.1691A>C (p.Asp564Ala)

Gene: TCTN1 (tectonic family member 1; plus strand). Cytogenetic location: 12q24.11.
Variant type: single nucleotide variant.
Coding change: c.1691A>C on transcript NM_001082538.3 (MANE Select); coding-DNA position 1691, A replaced by C.
Protein change: p.Asp564Ala; replaces aspartic acid 564 with alanine.
Molecular consequence: missense variant. On other transcripts: non-coding transcript variant (1).
Genome position (GRCh38, 1-based): chr12:110,647,804, A>C. VCF-style: chr12-110647804-A-C. GRCh37 (hg19) VCF-style: chr12-111085609-A-C.
Other names: c.1676A>C, p.Asp559Ala (NM_001082537.3); c.1508A>C, p.Asp503Ala (NM_001173975.3); c.1364A>C, p.Asp455Ala (NM_001173976.2); c.1529A>C, p.Asp510Ala (NM_001319680.2); c.1142A>C, p.Asp381Ala (NM_001319681.2); c.1634A>C, p.Asp545Ala (NM_024549.6); short protein forms D503A, D510A, D564A, D545A, D381A, D455A, D559A.
Identifiers: ClinVar variation 2156227 (VCV002156227.4), dbSNP rs2067462657, ClinGen allele CA386695863.

ClinVar aggregate classification (germline): Uncertain significance (1 of 4 stars; one submission).

Conditions:
Joubert syndrome. Also called: CEREBELLOPARENCHYMAL DISORDER IV; JOUBERT-BOLTSHAUSER SYNDROME; Familial aplasia of the vermis. Identifiers: Orphanet 475, MedGen C5979921, MONDO:0018772.
Meckel-Gruber syndrome. Also called: DYSENCEPHALIA SPLANCHNOCYSTICA; GRUBER SYNDROME; Dysencephalia splachnocystica. Identifiers: Orphanet 564, MedGen C0265215, MONDO:0018921.

gnomAD v4.1: 11 of 1,614,146 alleles (0.00068%); highest among the groups gnomAD compares: Non-Finnish European, 0.00093%; no homozygotes.

Submission:

Labcorp Genetics (formerly Invitae), Labcorp
Classification: Uncertain significance for Joubert syndrome; Meckel-Gruber syndrome. Last evaluated: 2022-07-06. Review status: criteria provided, single submitter. Criteria: Invitae Variant Classification Sherloc (09022015). Collection method: clinical testing. Allele origin: germline.
Comment: This variant is not present in population databases (gnomAD no frequency). This sequence change replaces aspartic acid, which is acidic and polar, with alanine, which is neutral and non-polar, at codon 564 of the TCTN1 protein (p.Asp564Ala). This variant has not been reported in the literature in individuals affected with TCTN1-related conditions. In summary, the available evidence is currently insufficient to determine the role of this variant in disease. Therefore, it has been classified as a Variant of Uncertain Significance. Algorithms developed to predict the effect of missense changes on protein structure and function are either unavailable or do not agree on the potential impact of this missense change (SIFT: "Tolerated"; PolyPhen-2: "Possibly Damaging"; Align-GVGD: "Class C0").